The following is an entry in ClinVar:

ClinVar aggregate classification (germline): Uncertain significance (1 of 4 stars; one submission).

Submission:

Labcorp Genetics (formerly Invitae), Labcorp
Classification: Uncertain significance. Last evaluated: 2022-09-22. Review status: criteria provided, single submitter. Criteria: Invitae Variant Classification Sherloc (09022015). Collection method: clinical testing. Allele origin: germline.
Comment: This variant has not been reported in the literature in individuals affected with DNA2-related conditions. This variant is not present in population databases (gnomAD no frequency). This sequence change creates a premature translational stop signal (p.Asn889Thrfs*23) in the DNA2 gene. It is expected to result in an absent or disrupted protein product. However, the current clinical and genetic evidence is not sufficient to establish whether loss-of-function variants in DNA2 cause disease. Experimental studies and prediction algorithms are not available or were not evaluated, and the functional significance of this variant is currently unknown. In summary, the available evidence is currently insufficient to determine the role of this variant in disease. Therefore, it has been classified as a Variant of Uncertain Significance.

NM_001080449.3(DNA2):c.2664del (p.Asn889fs)

Gene: DNA2 (DNA replication helicase/nuclease 2; minus strand). Cytogenetic location: 10q21.3.
Variant type: Deletion.
Coding change: c.2664del on transcript NM_001080449.3 (MANE Select); coding-DNA position 2664, one base deleted (C; older notation c.2664delC).
Protein change: p.Asn889fs; shifts the reading frame from asparagine 889.
Molecular consequence: frameshift variant. On other transcripts: non-coding transcript variant (1).
Genome position (GRCh38, 1-based): chr10:68,422,258, G deleted on the plus strand (C on the coding strand, the reverse complement: DNA2 is on the minus strand); the first of 3 consecutive G bases (chr10:68,422,258-68,422,260); deleting any one gives the same sequence. VCF-style (leftmost placement, unchanged base first): chr10-68422257-TG-T. GRCh37 (hg19) VCF-style: chr10-70182014-TG-T.
Other names: short protein forms N889fs.
Identifiers: ClinVar variation 2193390 (VCV002193390.4), dbSNP rs2493902309, ClinGen allele CA2580081732.